The following is an entry in ClinVar:

ClinVar aggregate classification (germline): Uncertain significance (1 of 4 stars; one submission).

gnomAD v4.1: 1 of 1,614,148 alleles (0.000062%); highest among the groups gnomAD compares: African/African-American, 0.0013%; no homozygotes.

Submission:

Women's Health and Genetics/Laboratory Corporation of America, LabCorp
Classification: Uncertain significance. Last evaluated: 2026-01-29. Review status: criteria provided, single submitter. Criteria: LabCorp Variant Classification Summary - May 2015. Collection method: clinical testing. Allele origin: germline.
Comment: Variant summary: DPF2 c.743C>A (p.Thr248Asn) results in a non-conservative amino acid change in the encoded protein sequence. Algorithms developed to predict the effect of missense changes on protein structure and function are either unavailable or do not agree on the potential impact of this missense change. The variant allele was found at a frequency of 4e-06 in 251466 control chromosomes. The available data on variant occurrences in the general population are insufficient to allow any conclusion about variant significance. To our knowledge, no occurrence of c.743C>A in individuals affected with DPF2-related conditions and no experimental evidence demonstrating its impact on protein function have been reported. No submitters have cited clinical-significance assessments for this variant to ClinVar. Based on the evidence outlined above, the variant was classified as uncertain significance.

NM_006268.5(DPF2):c.743C>A (p.Thr248Asn)

Gene: DPF2 (double PHD fingers 2; plus strand). Cytogenetic location: 11q13.1.
Variant type: single nucleotide variant.
Coding change: c.743C>A on transcript NM_006268.5 (MANE Select); coding-DNA position 743, C replaced by A.
Protein change: p.Thr248Asn; replaces threonine 248 with asparagine.
Molecular consequence: missense variant.
Genome position (GRCh38, 1-based): chr11:65,345,771, C>A. VCF-style: chr11-65345771-C-A. GRCh37 (hg19) VCF-style: chr11-65113242-C-A.
Other names: c.785C>A, p.Thr262Asn (NM_001330308.2); short protein forms T248N, T262N.
Identifiers: ClinVar variation 4689022 (VCV004689022.1).